The following is an entry in ClinVar:

ClinVar aggregate classification (germline): Benign. Review status: criteria provided, multiple submitters, no conflicts (2 of 4 stars). 2 submissions from 2 submitters: Benign (2). Last evaluated 2018-01-12.

Conditions:
Triglyceride storage disease with ichthyosis (CDS). Also called: Dorfman-Chanarin disease; ICHTHYOSIFORM ERYTHRODERMA WITH LEUKOCYTE VACUOLATION; TRIGLYCERIDE STORAGE DISEASE WITH IMPAIRED LONG-CHAIN FATTY ACID OXIDATION; Chanarin-Dorfman Syndrome. Identifiers: Orphanet 98907, MedGen C0268238, MONDO:0010155, OMIM 275630.

Allele frequency attached by ClinVar (database versions not stated): gnomAD exomes 0.03560 and 0.05457; ExAC 0.05636; gnomAD 0.06058 and 0.06335; ESP Exome Variant Server 0.06089; TOPMed 0.06951; 1000 Genomes Project 0.10343; 1000 Genomes Project 30x 0.10415.

Submissions (2):

Illumina Laboratory Services, Illumina
Classification: Benign for Triglyceride storage disease with ichthyosis. Last evaluated: 2018-01-12. Review status: criteria provided, single submitter. Criteria: ICSL Variant Classification Criteria 13 December 2019. Collection method: clinical testing. Allele origin: germline.
Comment: This variant was observed in the ICSL laboratory as part of a predisposition screen in an ostensibly healthy population. It had not been previously curated by ICSL or reported in the Human Gene Mutation Database (HGMD: prior to June 1st, 2018), and was therefore a candidate for classification through an automated scoring system. Utilizing variant allele frequency, disease prevalence and penetrance estimates, and inheritance mode, an automated score was calculated to assess if this variant is too frequent to cause the disease. Based on the score and internal cut-off values, a variant classified as benign is not then subjected to further curation. The score for this variant resulted in a classification of benign for this disease.

Breakthrough Genomics
Classification: Benign. Review status: criteria provided, single submitter. Criteria: ACMG Guidelines, 2015. Collection method: not provided. Allele origin: germline. Inheritance: Autosomal recessive inheritance. Affected: yes.

NM_016006.6(ABHD5):c.*38T>G

Gene: ABHD5 (abhydrolase domain containing 5, lysophosphatidic acid acyltransferase; plus strand). Cytogenetic location: 3p21.33.
Variant type: single nucleotide variant.
Coding change: c.*38T>G on transcript NM_016006.6 (MANE Select); 38 bases downstream of the stop codon, T replaced by G.
Molecular consequence: 3 prime UTR variant. On other transcripts: non-coding transcript variant (1), intron variant (1).
Genome position (GRCh38, 1-based): chr3:43,718,570, T>G. VCF-style: chr3-43718570-T-G. GRCh37 (hg19) VCF-style: chr3-43760062-T-G.
Other names: c.*38T>G (NM_001365649.1); c.*64T>G (NM_001365650.1); c.29+9T>G (NM_001355186.2).
Identifiers: ClinVar variation 345227 (VCV000345227.6), dbSNP rs887472, ClinGen allele CA2341539.